The following is an entry in ClinVar:

NM_020297.4(ABCC9):c.4226C>T (p.Pro1409Leu)

Genes: ABCC9 (ATP binding cassette subfamily C member 9; minus strand), KCNJ8-AS1 (KCNJ8 antisense RNA 1; plus strand). Cytogenetic location: 12p12.1.
Variant type: single nucleotide variant.
Coding change: c.4226C>T on transcript NM_020297.4 (MANE Select); coding-DNA position 4226, C replaced by T.
Protein change: p.Pro1409Leu; replaces proline 1409 with leucine.
Molecular consequence: missense variant.
Genome position (GRCh38, 1-based): chr12:21,809,941, G>A on the plus strand (C>T on the coding strand, the complement: ABCC9 is on the minus strand). VCF-style: chr12-21809941-G-A. GRCh37 (hg19) VCF-style: chr12-21962875-G-A.
Other names: c.4226C>T, p.Pro1409Leu (NM_001377273.1, NM_005691.4); c.3359C>T, p.Pro1120Leu (NM_001377274.1); short protein forms P1120L, P1409L.
Identifiers: ClinVar variation 3879394 (VCV003879394.1).

ClinVar aggregate classification (germline): Uncertain significance (1 of 4 stars; one submission).

Conditions:
Cardiovascular phenotype. Identifiers: MedGen CN230736.

Submission:

Ambry Genetics
Classification: Uncertain significance for Cardiovascular phenotype. Last evaluated: 2025-02-04. Review status: criteria provided, single submitter. Criteria: Ambry Variant Classification Scheme 2023. Collection method: clinical testing. Allele origin: germline.
Comment: The p.P1409L variant (also known as c.4226C>T), located in coding exon 35 of the ABCC9 gene, results from a C to T substitution at nucleotide position 4226. The proline at codon 1409 is replaced by leucine, an amino acid with similar properties. This amino acid position is highly conserved in available vertebrate species. In addition, this alteration is predicted to be deleterious by in silico analysis. Based on the available evidence, the clinical significance of this variant remains unclear.